The following is an entry in ClinVar:

ClinVar aggregate classification (germline): Pathogenic (1 of 4 stars; one submission).

Conditions:
Early-infantile DEE. Also called: Ohtahara syndrome; Early infantile epileptic encephalopathy with suppression bursts; Early infantile epileptic encephalopathy. Identifiers: Orphanet 1934, MedGen C0393706, MONDO:0800491.

Submission:

Labcorp Genetics (formerly Invitae), Labcorp
Classification: Pathogenic for Early-infantile DEE. Last evaluated: 2024-10-17. Review status: criteria provided, single submitter. Criteria: Invitae Variant Classification Sherloc (09022015). Collection method: clinical testing. Allele origin: germline.
Comment: This sequence change creates a premature translational stop signal (p.Leu755*) in the SCN1A gene. It is expected to result in an absent or disrupted protein product. Loss-of-function variants in SCN1A are known to be pathogenic (PMID: 17347258, 18930999). This variant is not present in population databases (gnomAD no frequency). This premature translational stop signal has been observed in individual(s) with SCN1A-related conditions (PMID: 32593896). ClinVar contains an entry for this variant (Variation ID: 2031805). For these reasons, this variant has been classified as Pathogenic.

Literature cited by the submitters: PubMed 17347258; PubMed 18930999; PubMed 32593896.

NM_001165963.4(SCN1A):c.2264T>G (p.Leu755Ter)

Gene: SCN1A (sodium voltage-gated channel alpha subunit 1; minus strand). Cytogenetic location: 2q24.3.
Variant type: single nucleotide variant.
Coding change: c.2264T>G on transcript NM_001165963.4 (MANE Select); coding-DNA position 2264, T replaced by G.
Protein change: p.Leu755Ter; replaces leucine 755 with a stop codon.
Molecular consequence: nonsense. On other transcripts: 5 prime UTR variant (1), non-coding transcript variant (1).
Genome position (GRCh38, 1-based): chr2:166,041,382, A>C on the plus strand (T>G on the coding strand, the complement: SCN1A is on the minus strand). VCF-style: chr2-166041382-A-C. GRCh37 (hg19) VCF-style: chr2-166897892-A-C.
Other names: c.2180T>G, p.Leu727Ter (NM_001165964.3, NM_001353957.2, NM_001353958.2); c.2264T>G, p.Leu755Ter (NM_001202435.3, NM_001353948.2); c.2231T>G, p.Leu744Ter (NM_001353949.2, NM_001353950.2, NM_001353951.2 and 2 more transcripts); c.2228T>G, p.Leu743Ter (NM_001353954.2, NM_001353955.2); c.2177T>G, p.Leu726Ter (NM_001353960.2); c.-195T>G (NM_001353961.2); short protein forms L727*, L744*, L755*, L726*, L743*.
Identifiers: ClinVar variation 2031805 (VCV002031805.4), dbSNP rs2468131781, ClinGen allele CA349064752.
Genomic context (GRCh38, chr2:166,041,382, plus strand): 5'-GTGATGGCCAGGTCAACAAATGGGTCCATCACAACCAGGTTGACAACATGTTTCACTTTT[A>C]ACCAATATGGAGAACAGTCCCAGATTAAGAATATGTTGGAAAATTTATACCAACAGGGTG-3'